The following is an entry in ClinVar:

NM_153006.3(NAGS):c.904A>G (p.Ser302Gly)

Gene: NAGS (N-acetylglutamate synthase; plus strand). Cytogenetic location: 17q21.31.
Variant type: single nucleotide variant.
Coding change: c.904A>G on transcript NM_153006.3 (MANE Select); coding-DNA position 904, A replaced by G.
Protein change: p.Ser302Gly; replaces serine 302 with glycine.
Molecular consequence: missense variant.
Genome position (GRCh38, 1-based): chr17:44,006,226, A>G. VCF-style: chr17-44006226-A-G. GRCh37 (hg19) VCF-style: chr17-42083594-A-G.
Other names: short protein forms S302G.
Identifiers: ClinVar variation 323446 (VCV000323446.7), dbSNP rs377702343, ClinGen allele CA8595251.

ClinVar aggregate classification (germline): Uncertain significance. Review status: criteria provided, multiple submitters, no conflicts (2 of 4 stars). 3 submissions from 3 submitters: Uncertain significance (3). Last evaluated 2025-05-19.

Conditions:
Hyperammonemia, type III (NAGSD). Also called: Hyperammonemia due to N-acetylglutamate synthase deficiency. Identifiers: Orphanet 927, MedGen C0268543, MONDO:0009377, OMIM 237310.
Inborn genetic diseases. Identifiers: MedGen C0950123, MeSH D030342.

Allele frequency attached by ClinVar (database versions not stated): gnomAD below 0.00001 and 0.00003; gnomAD exomes 0.00002 and 0.00004; ExAC 0.00006; 1000 Genomes Project 30x 0.00047; 1000 Genomes Project 0.00060.
gnomAD v4.1: 28 of 1,613,194 alleles (0.0017%); highest among the groups gnomAD compares: South Asian, 0.027%; no homozygotes.

Submissions (3):

Ambry Genetics
Classification: Uncertain significance for Inborn genetic diseases. Last evaluated: 2025-05-19. Review status: criteria provided, single submitter. Criteria: Ambry Variant Classification Scheme 2023. Collection method: clinical testing. Allele origin: germline.

Labcorp Genetics (formerly Invitae), Labcorp
Classification: Uncertain significance for Hyperammonemia, type III. Last evaluated: 2022-05-25. Review status: criteria provided, single submitter. Criteria: Invitae Variant Classification Sherloc (09022015). Collection method: clinical testing. Allele origin: germline.
Comment: This sequence change replaces serine, which is neutral and polar, with glycine, which is neutral and non-polar, at codon 302 of the NAGS protein (p.Ser302Gly). This variant is present in population databases (rs377702343, gnomAD 0.02%). This variant has not been reported in the literature in individuals affected with NAGS-related conditions. ClinVar contains an entry for this variant (Variation ID: 323446). Algorithms developed to predict the effect of missense changes on protein structure and function output the following: SIFT: "Tolerated"; PolyPhen-2: "Benign"; Align-GVGD: "Class C0". The glycine amino acid residue is found in multiple mammalian species, which suggests that this missense change does not adversely affect protein function. In summary, the available evidence is currently insufficient to determine the role of this variant in disease. Therefore, it has been classified as a Variant of Uncertain Significance.

Illumina Laboratory Services, Illumina
Classification: Uncertain significance for Hyperammonemia, type III. Last evaluated: 2018-01-12. Review status: criteria provided, single submitter. Criteria: ICSL Variant Classification Criteria 13 December 2019. Collection method: clinical testing. Allele origin: germline.